The following is an entry in ClinVar:

ClinVar aggregate classification (germline): Uncertain significance (1 of 4 stars; one submission).

Conditions:
DK1-congenital disorder of glycosylation. Also called: CDG Im; DK1 DEFICIENCY; DOLICHOL KINASE DEFICIENCY; DK1-CDG; DOLK-congenital disorder of glycosylation; Carbohydrate deficient glycoprotein syndrome type 1m. Identifiers: Orphanet 91131, MedGen C1835849, MONDO:0012556, OMIM 610768.

Allele frequency attached by ClinVar (database versions not stated): TOPMed below 0.00001; gnomAD exomes 0.00001.
gnomAD v4.1: 19 of 1,613,886 alleles (0.0012%); highest among the groups gnomAD compares: Non-Finnish European, 0.0015%; no homozygotes.

Submission:

Labcorp Genetics (formerly Invitae), Labcorp
Classification: Uncertain significance for DK1-congenital disorder of glycosylation. Last evaluated: 2019-02-18. Review status: criteria provided, single submitter. Criteria: Invitae Variant Classification Sherloc (09022015). Collection method: clinical testing. Allele origin: germline.
Comment: In summary, the available evidence is currently insufficient to determine the role of this variant in disease. Therefore, it has been classified as a Variant of Uncertain Significance. Algorithms developed to predict the effect of missense changes on protein structure and function (SIFT, PolyPhen-2, Align-GVGD) all suggest that this variant is likely to be tolerated, but these predictions have not been confirmed by published functional studies and their clinical significance is uncertain. This variant has not been reported in the literature in individuals with DOLK-related conditions. This variant is not present in population databases (ExAC no frequency). This sequence change replaces tyrosine with aspartic acid at codon 58 of the DOLK protein (p.Tyr58Asp). The tyrosine residue is weakly conserved and there is a large physicochemical difference between tyrosine and aspartic acid.

NM_014908.4(DOLK):c.172T>G (p.Tyr58Asp)

Gene: DOLK (dolichol kinase; minus strand). Cytogenetic location: 9q34.11.
Variant type: single nucleotide variant.
Coding change: c.172T>G on transcript NM_014908.4 (MANE Select); coding-DNA position 172, T replaced by G.
Protein change: p.Tyr58Asp; replaces tyrosine 58 with aspartic acid.
Molecular consequence: missense variant.
Genome position (GRCh38, 1-based): chr9:128,947,132, A>C on the plus strand (T>G on the coding strand, the complement: DOLK is on the minus strand). VCF-style: chr9-128947132-A-C. GRCh37 (hg19) VCF-style: chr9-131709411-A-C.
Other names: short protein forms Y58D.
Identifiers: ClinVar variation 858018 (VCV000858018.8), dbSNP rs1403792413, ClinGen allele CA375127893.